The following is an entry in ClinVar:

NM_004168.4(SDHA):c.1974dup (p.Pro659fs)

Gene: SDHA (succinate dehydrogenase complex flavoprotein subunit A; plus strand). Cytogenetic location: 5p15.33.
Variant type: Duplication.
Coding change: c.1974dup on transcript NM_004168.4 (MANE Select); coding-DNA position 1974, one base duplicated (G; older notation c.1974dupG).
Protein change: p.Pro659fs; shifts the reading frame from proline 659.
Molecular consequence: frameshift variant.
Genome position (GRCh38, 1-based): chr5:256,399, G duplicated. VCF-style (leftmost placement, unchanged base first): chr5-256398-C-CG. GRCh37 (hg19) VCF-style: chr5-256513-C-CG.
Other names: c.1830dup, p.Pro611fs (NM_001294332.2); c.1731dup, p.Pro578fs (NM_001330758.2); short protein forms P659fs, P578fs, P611fs.
Identifiers: ClinVar variation 4825104 (VCV004825104.1).
Genomic context (GRCh38, chr5:256,398, plus strand): 5'-CTCTGGAATATAGACCCGTGATCGACAAAACTTTGAACGAGGCTGACTGTGCCACCGTCC[C>CG]GCCAGCCATTCGCTCCTACTGATGAGACAAGATGTGGTGATGACAGAATCAGCTTTTGTA-3'

ClinVar aggregate classification (germline): Uncertain significance (1 of 4 stars; one submission).

Conditions:
Hereditary cancer-predisposing syndrome. Also called: Neoplastic Syndromes, Hereditary; Tumor predisposition; Hereditary Cancer Syndrome; Hereditary neoplastic syndrome. Identifiers: Orphanet 140162, MedGen C0027672, MeSH D009386, MONDO:0015356.

Submission:

Ambry Genetics
Classification: Uncertain significance for Hereditary cancer-predisposing syndrome. Last evaluated: 2026-03-04. Review status: criteria provided, single submitter. Criteria: Ambry Variant Classification Scheme 2023. Collection method: clinical testing. Allele origin: germline.
Comment: The c.1974dupG variant, located in coding exon 15 of the SDHA gene, results from a duplication of G at nucleotide position 1974, causing a translational frameshift with a predicted alternate stop codon (p.P659Afs*48). This variant occurs at the 3' terminus of the gene, is not expected to trigger nonsense-mediated mRNAdecay and results in the elongation of the protein by 41 amino acids. This frameshift impacts the last 7amino acids of the native protein. The exact functional effect of the altered amino acids is unknown. Based on the available evidence, the clinical significance of this variant remains unclear.